The following is an entry in ClinVar:

NM_004360.5(CDH1):c.48+6_48+8delinsTCA

Gene: CDH1 (cadherin 1; plus strand). Cytogenetic location: 16q22.1.
Variant type: Indel.
Coding change: c.48+6_48+8delinsTCA on transcript NM_004360.5 (MANE Select); bases 6 to 8 of the intron after coding-DNA position 48, CCG replaced by TCA.
Molecular consequence: intron variant.
Genome position (GRCh38, 1-based): chr16:68,737,469-68,737,471, CCG replaced by TCA. VCF-style: chr16-68737469-CCG-TCA. GRCh37 (hg19) VCF-style: chr16-68771372-CCG-TCA.
Other names: c.-1568+6_-1568+8delinsTCA (NM_001317185.2); c.-1772+6_-1772+8delinsTCA (NM_001317186.2); c.48+6_48+8delinsTCA (NM_001317184.2).
Identifiers: ClinVar variation 1171549 (VCV001171549.3), dbSNP rs2152113992, ClinGen allele CA2499223647.
Genomic context (GRCh38, chr16:68,737,469, plus strand): 5'-GCCAGCCATGGGCCCTTGGAGCCGCAGCCTCTCGGCGCTGCTGCTGCTGCTGCAGGTACC[CCG>TCA]GATCCCCTGACTTGCGAGGGACGCATTCGGGCCGCAAGCTCCGCGCCCCAGCCCTGCGCC-3'

ClinVar aggregate classification (germline): Conflicting classifications of pathogenicity. Review status: criteria provided, conflicting classifications (1 of 4 stars). 2 submissions from 2 submitters: Uncertain significance (1); Likely benign (1). Last evaluated 2024-09-10.

Conditions:
Hereditary diffuse gastric adenocarcinoma (HDGC). Also called: DIFFUSE GASTRIC AND LOBULAR BREAST CANCER SYNDROME. Identifiers: Orphanet 26106, MedGen C1708349, MONDO:0007648, OMIM 137215.
Hereditary cancer-predisposing syndrome. Also called: Hereditary neoplastic syndrome; Neoplastic Syndromes, Hereditary; Hereditary Cancer Syndrome; Tumor predisposition. Identifiers: Orphanet 140162, MedGen C0027672, MeSH D009386, MONDO:0015356.

Submissions (2):

Myriad Genetics, Inc.
Classification: Likely benign for Hereditary diffuse gastric adenocarcinoma. Last evaluated: 2024-09-10. Review status: criteria provided, single submitter. Criteria: Myriad Autosomal Dominant, Autosomal Recessive and X-Linked Classification Criteria (2023). Collection method: clinical testing. Allele origin: unknown.
Comment: This variant is considered likely benign. This variant is intronic and is not expected to impact mRNA splicing.

Color Diagnostics, LLC DBA Color Health
Classification: Uncertain significance for Hereditary cancer-predisposing syndrome. Last evaluated: 2020-10-07. Review status: criteria provided, single submitter. Criteria: ACMG Guidelines, 2015. Collection method: clinical testing. Allele origin: germline.
Comment: This variant causes replaces CCG nucleotides at the +6_+8 position in intron 1 of the CDH1 gene with TCA nucleotides. To our knowledge, functional studies have not been reported for this variant. This variant has not been reported in individuals affected with hereditary cancer in the literature. This variant has not been identified in the general population by the Genome Aggregation Database (gnomAD). The available evidence is insufficient to determine the role of this variant in disease conclusively. Therefore, this variant is classified as a Variant of Uncertain Significance.